The following is an entry in ClinVar:

NM_004714.3(DYRK1B):c.1463G>A (p.Arg488Gln)

Gene: DYRK1B (dual specificity tyrosine phosphorylation regulated kinase 1B; minus strand). Cytogenetic location: 19q13.2.
Variant type: single nucleotide variant.
Coding change: c.1463G>A on transcript NM_004714.3 (MANE Select); coding-DNA position 1463, G replaced by A.
Protein change: p.Arg488Gln; replaces arginine 488 with glutamine.
Molecular consequence: missense variant.
Genome position (GRCh38, 1-based): chr19:39,826,235, C>T on the plus strand (G>A on the coding strand, the complement: DYRK1B is on the minus strand). VCF-style: chr19-39826235-C-T. GRCh37 (hg19) VCF-style: chr19-40316875-C-T.
Other names: c.1343G>A, p.Arg448Gln (NM_006483.3); c.1379G>A, p.Arg460Gln (NM_006484.3); short protein forms R448Q, R460Q, R488Q.
Identifiers: ClinVar variation 2633305 (VCV002633305.3), dbSNP rs750653288, ClinGen allele CA9434023.

ClinVar aggregate classification (germline): Uncertain significance (0 of 4 stars; one submission).

Conditions:
DYRK1B-related disorder. Also called: DYRK1B-related condition.

Allele frequency attached by ClinVar (database versions not stated): ExAC 0.00005; TOPMed 0.00005; gnomAD 0.00007; gnomAD exomes 0.00007.
gnomAD v4.1: 106 of 1,596,192 alleles (0.0066%); highest among the groups gnomAD compares: Non-Finnish European, 0.0083%; no homozygotes.

Submission:

PreventionGenetics, part of Exact Sciences
Classification: Uncertain significance for DYRK1B-related condition. Last evaluated: 2024-09-09. Review status: no assertion criteria provided. Collection method: clinical testing. Allele origin: germline.
Comment: The DYRK1B c.1463G>A variant is predicted to result in the amino acid substitution p.Arg488Gln. This variant was reported as uncertain in a large cohort study of lipodystrophy (Table S3 and S4, Dron et al. 2020. PubMed ID: 32041611). This variant is reported in 0.0090% of alleles in individuals of European (Non-Finnish) descent in gnomAD. At this time, the clinical significance of this variant is uncertain due to the absence of conclusive functional and genetic evidence.